The following is an entry in ClinVar:

NM_000138.5(FBN1):c.6379+5G>C

Gene: FBN1 (fibrillin 1; minus strand). Cytogenetic location: 15q21.1.
Variant type: single nucleotide variant.
Coding change: c.6379+5G>C on transcript NM_000138.5 (MANE Select); 5 bases into the intron after coding-DNA position 6379, G replaced by C.
Molecular consequence: intron variant.
Genome position (GRCh38, 1-based): chr15:48,437,317, C>G on the plus strand (G>C on the coding strand, the complement: FBN1 is on the minus strand). VCF-style: chr15-48437317-C-G. GRCh37 (hg19) VCF-style: chr15-48729514-C-G.
Identifiers: ClinVar variation 426964 (VCV000426964.3), dbSNP rs1085307875, ClinGen allele CA645294079.

ClinVar aggregate classification (germline): Uncertain significance (1 of 4 stars; one submission).

Submission:

GeneDx
Classification: Uncertain significance. Last evaluated: 2020-08-05. Review status: criteria provided, single submitter. Criteria: GeneDx Variant Classification Process June 2021. Collection method: clinical testing. Allele origin: germline. Affected: yes.
Comment: Has not been previously published as pathogenic or benign to our knowledge; Not observed in large population cohorts (Lek et al., 2016); In-silico analysis, which includes splice predictors and evolutionary conservation, is inconclusive as to whether the variant alters gene splicing. In the absence of RNA/functional studies, the actual effect of this sequence change is unknown.